The following is an entry in ClinVar:

ClinVar aggregate classification (germline): Pathogenic. Review status: criteria provided, multiple submitters, no conflicts (2 of 4 stars). 5 submissions from 5 submitters: Pathogenic (4). 1 of the submissions does not count toward it. Last evaluated 2025-12-31.

Conditions:
Short stature-optic atrophy-Pelger-Huët anomaly syndrome. Also called: Short stature-optic atrophy-Pelger-HuC+t anomaly syndrome; Short stature, optic nerve atrophy, and Pelger-Huet anomaly. Identifiers: Orphanet 391677, MedGen C3541319, MONDO:0013889, OMIM 614800.
Acute infantile liver failure due to synthesis defect of mtDNA-encoded proteins. Also called: TRMU Deficiency; LIVER FAILURE, INFANTILE, TRANSIENT; Liver failure acute infantile. Identifiers: Orphanet 217371, MedGen C3278664, MONDO:0013111, OMIM 613070.

Allele frequency attached by ClinVar (database versions not stated): gnomAD 0.00001 and 0.00002; TOPMed 0.00002; gnomAD exomes 0.00003; ExAC 0.00004.
gnomAD v4.1: 17 of 1,592,342 alleles (0.0011%); highest among the groups gnomAD compares: South Asian, 0.0056%; no homozygotes.

Submissions (5):

Women's Health and Genetics/Laboratory Corporation of America, LabCorp
Classification: Pathogenic for Acute infantile liver failure due to synthesis defect of mtDNA-encoded proteins. Last evaluated: 2025-12-31. Review status: criteria provided, single submitter. Criteria: LabCorp Variant Classification Summary - May 2015. Collection method: clinical testing. Allele origin: germline.
Comment: Variant summary: NBAS c.5741G>A (p.Arg1914His) results in a non-conservative amino acid change in the encoded protein sequence. Algorithms developed to predict the effect of missense changes on protein structure and function are either unavailable or do not agree on the potential impact of this missense change. The variant allele was found at a frequency of 2.8e-05 in 247526 control chromosomes (gnomAD). c.5741G>A has been observed in multiple individuals affected with Short stature, optic atrophy and Pelger-Hut anomaly (e.g. Maksimova_2010). These data indicate that the variant is very likely to be associated with disease. The following publication has been ascertained in the context of this evaluation (PMID: 20577004). ClinVar contains an entry for this variant (Variation ID: 37042). Based on the evidence outlined above, the variant was classified as pathogenic.

Labcorp Genetics (formerly Invitae), Labcorp
Classification: Pathogenic. Last evaluated: 2025-01-07. Review status: criteria provided, single submitter. Criteria: Invitae Variant Classification Sherloc (09022015). Collection method: clinical testing. Allele origin: germline.
Comment: This sequence change replaces arginine, which is basic and polar, with histidine, which is basic and polar, at codon 1914 of the NBAS protein (p.Arg1914His). This variant is present in population databases (rs369698072, gnomAD 0.02%). This missense change has been observed in individual(s) with short stature, optic nerve atrophy, and Pelger-Huet (SOPH) anomaly (PMID: 20577004, 24884844, 27789416, 28031453, 28115293, 28425089). In at least one individual the data is consistent with being in trans (on the opposite chromosome) from a pathogenic variant. It has also been observed to segregate with disease in related individuals. ClinVar contains an entry for this variant (Variation ID: 37042). Invitae Evidence Modeling of protein sequence and biophysical properties (such as structural, functional, and spatial information, amino acid conservation, physicochemical variation, residue mobility, and thermodynamic stability) indicates that this missense variant is expected to disrupt NBAS protein function with a positive predictive value of 95%. For these reasons, this variant has been classified as Pathogenic.

GeneDx
Classification: Pathogenic. Last evaluated: 2017-09-13. Review status: criteria provided, single submitter. Criteria: GeneDx Variant Classification (06012015). Collection method: clinical testing. Allele origin: germline. Affected: yes.
Comment: The R1914H pathogenic variant in the NBAS gene has been reported previously either in the homozygous state or in combination with another NBAS variant in multiple individuals with features of NBAS-related disorder, but liver disease was not reported in all individuals (Maksimova et al., 2010; Trakadis et al., 2014; Kim et al., 2017; Kortum et al., 2017; Park et al., 2017; Balasubramanian et al., 2017). The R1914H variant is observed in 4/16,484 (0.02%) alleles from individuals of South Asian background in the ExAC dataset (Lek et al., 2016). Although the R1914H variant is a conservative amino acid substitution, this substitution occurs at a position that is conserved across species and in silico analysis predicts this variant is probably damaging to the protein structure/function. We interpret R1914H as a pathogenic variant.

Center for Pediatric Genomic Medicine, Children's Mercy Hospital and Clinics
Classification: Pathogenic. Last evaluated: 2017-03-29. Review status: criteria provided, single submitter. Criteria: ACMG Guidelines, 2015. Collection method: clinical testing. Allele origin: germline.

OMIM
Classification: Pathogenic for SHORT STATURE, OPTIC NERVE ATROPHY, AND PELGER-HUET ANOMALY. Last evaluated: 2010-08-01. Review status: no assertion criteria provided. Collection method: literature only. Allele origin: germline. Not counted in ClinVar's aggregate classification.

Literature cited by the submitters: PubMed 20577004 (cited by 3 submitters); PubMed 24884844 (cited by Labcorp Genetics (formerly Invitae), Labcorp); PubMed 27789416 (cited by Labcorp Genetics (formerly Invitae), Labcorp and OMIM); PubMed 28031453 (cited by Labcorp Genetics (formerly Invitae), Labcorp); PubMed 28115293 (cited by Labcorp Genetics (formerly Invitae), Labcorp); PubMed 28425089 (cited by Labcorp Genetics (formerly Invitae), Labcorp).

NM_015909.4(NBAS):c.5741G>A (p.Arg1914His)

Gene: NBAS (NBAS subunit of NRZ tethering complex; minus strand). Cytogenetic location: 2p24.3.
Variant type: single nucleotide variant.
Coding change: c.5741G>A on transcript NM_015909.4 (MANE Select); coding-DNA position 5741, G replaced by A.
Protein change: p.Arg1914His; replaces arginine 1914 with histidine.
Molecular consequence: missense variant. On other transcripts: non-coding transcript variant (1).
Genome position (GRCh38, 1-based): chr2:15,238,670, C>T on the plus strand (G>A on the coding strand, the complement: NBAS is on the minus strand). VCF-style: chr2-15238670-C-T. GRCh37 (hg19) VCF-style: chr2-15378794-C-T.
Other names: short protein forms R1914H.
Identifiers: ClinVar variation 37042 (VCV000037042.14), dbSNP rs369698072, ClinGen allele CA130037.
Genomic context (GRCh38, chr2:15,238,670, plus strand): 5'-TTCCTTGGCTTCTCAATAAAATGTTTGACTGTCTTAATAGCCTTTCTAGTCATCTCTTTA[C>T]GGGCTTCCACAGACAGCTTAAAAAAAAGAATAGTGAGACCAAAGAACCCTGCATTATTAC-3'
Protein context (NP_056993.2, residues 1904-1924): KAVTKLSVEA[Arg1914His]KEMTRKAIKT